The following is an entry in ClinVar:

ClinVar aggregate classification (germline): Benign/Likely benign. Review status: criteria provided, multiple submitters, no conflicts (2 of 4 stars). 5 submissions from 5 submitters: Benign (1); Likely benign (3). 1 of the submissions does not count toward it. Last evaluated 2026-01-18.

Conditions:
CTNNA1-related disorder. Also called: CTNNA1-related condition.
Hereditary diffuse gastric adenocarcinoma (HDGC). Also called: DIFFUSE GASTRIC AND LOBULAR BREAST CANCER SYNDROME. Identifiers: Orphanet 26106, MedGen C1708349, MONDO:0007648, OMIM 137215.
Hereditary cancer-predisposing syndrome. Also called: Neoplastic Syndromes, Hereditary; Hereditary neoplastic syndrome; Hereditary Cancer Syndrome; Tumor predisposition. Identifiers: Orphanet 140162, MedGen C0027672, MeSH D009386, MONDO:0015356.

Allele frequency attached by ClinVar (database versions not stated): gnomAD 0.00001; gnomAD exomes 0.00001; ExAC 0.00002; TOPMed 0.00002.
gnomAD v4.1: 23 of 1,614,036 alleles (0.0014%); highest among the groups gnomAD compares: Non-Finnish European, 0.0018%; no homozygotes.

Submissions (5):

Labcorp Genetics (formerly Invitae), Labcorp
Classification: Likely benign. Last evaluated: 2026-01-18. Review status: criteria provided, single submitter. Criteria: Invitae Variant Classification Sherloc (09022015). Collection method: clinical testing. Allele origin: germline.

Myriad Genetics, Inc.
Classification: Benign for Hereditary diffuse gastric adenocarcinoma. Last evaluated: 2024-10-09. Review status: criteria provided, single submitter. Criteria: Myriad Autosomal Dominant, Autosomal Recessive and X-Linked Classification Criteria (2023). Collection method: clinical testing. Allele origin: unknown.
Comment: This variant is considered benign. This variant is a silent/synonymous amino acid change and it is not expected to impact splicing.

Blueprint Genetics
Classification: Likely benign. Last evaluated: 2022-08-01. Review status: criteria provided, single submitter. Criteria: ACMG Guidelines, 2015. Collection method: clinical testing. Allele origin: germline.

Ambry Genetics
Classification: Likely benign for Hereditary cancer-predisposing syndrome. Last evaluated: 2020-11-13. Review status: criteria provided, single submitter. Criteria: Ambry Variant Classification Scheme 2023. Collection method: clinical testing. Allele origin: germline.

PreventionGenetics, part of Exact Sciences
Classification: Likely benign for CTNNA1-related condition. Last evaluated: 2019-11-20. Review status: no assertion criteria provided. Collection method: clinical testing. Allele origin: germline. Not counted in ClinVar's aggregate classification.
Comment: This variant is classified as likely benign based on ACMG/AMP sequence variant interpretation guidelines (Richards et al. 2015 PMID: 25741868, with internal and published modifications).

NM_001903.5(CTNNA1):c.408C>T (p.Thr136=)

Gene: CTNNA1 (catenin alpha 1; plus strand). Cytogenetic location: 5q31.2.
Variant type: single nucleotide variant.
Coding change: c.408C>T on transcript NM_001903.5 (MANE Select); coding-DNA position 408, C replaced by T.
Protein change: p.Thr136=; no amino-acid change (threonine 136 retained).
Molecular consequence: synonymous variant.
Genome position (GRCh38, 1-based): chr5:138,810,144, C>T. VCF-style: chr5-138810144-C-T. GRCh37 (hg19) VCF-style: chr5-138145833-C-T.
Other names: c.408C>T, p.Thr136= (NM_001290307.3, NM_001323982.2, NM_001323983.1 and 3 more transcripts); c.99C>T, p.Thr33= (NM_001290309.3); c.39C>T, p.Thr13= (NM_001290310.3); c.408C>T (NM_001903.4).
Identifiers: ClinVar variation 697673 (VCV000697673.17), dbSNP rs762579616, ClinGen allele CA3431436.